The following is an entry in ClinVar:

NM_000179.3(MSH6):c.4001+42_4001+44dup

Gene: MSH6 (mutS homolog 6; plus strand). Cytogenetic location: 2p16.3.
Variant type: Duplication.
Coding change: c.4001+42_4001+44dup on transcript NM_000179.3 (MANE Select); bases 42 to 44 of the intron after coding-DNA position 4001, 3 bases duplicated (AAG; older notation c.4001+42_4001+44dupAAG).
Molecular consequence: intron variant.
Genome position (GRCh38, 1-based): chr2:47,806,693-47,806,695, AAG duplicated. VCF-style (leftmost placement, unchanged base first): chr2-47806692-T-TAAG. GRCh37 (hg19) VCF-style: chr2-48033831-T-TAAG.
Other names: c.3095+42_3095+44dup (NM_001281493.2, NM_001281494.2); c.3611+42_3611+44dup (NM_001281492.2).
Identifiers: ClinVar variation 584625 (VCV000584625.3), dbSNP rs926031657, ClinGen allele CA46720129.

ClinVar aggregate classification (germline): Likely benign (1 of 4 stars; one submission).

Conditions:
Hereditary cancer. Identifiers: MedGen C1333600.

Allele frequency attached by ClinVar (database versions not stated): gnomAD exomes below 0.00001; TOPMed 0.00003.

Submission:

Mendelics
Classification: Likely benign for Hereditary cancer. Last evaluated: 2024-09-11. Review status: criteria provided, single submitter. Criteria: ACMG Guidelines, 2015. Collection method: clinical testing. Allele origin: unknown.
Comment: This variant is considered likely benign or benign based on one or more of the following: it is predicted to be benign by multiple in silico algorithms, and/or has population frequency not consistent with disease, and/or has normal protein function, and/or has lack of segregation with disease, and/or has been detected in co-occurrence with known pathogenic variant, and/or has lack of disease association in case-control studies, and/or is located in a region inconsistent with a known cause of pathogenicity.